The following is an entry in ClinVar:

ClinVar aggregate classification (germline): Benign. Review status: criteria provided, single submitter (1 of 4 stars). 2 submissions from 2 submitters: Benign (1). 1 of the submissions does not count toward it. Last evaluated 2024-09-17.

Conditions:
Kennedy disease (SMAX1). Also called: SPINAL AND BULBAR MUSCULAR ATROPHY, X-LINKED 1; KENNEDY SPINAL AND BULBAR MUSCULAR ATROPHY; Spinal and Bulbar Muscular Atrophy. Identifiers: Orphanet 481, MedGen C1839259, MONDO:0010735, OMIM 313200.
Androgen resistance syndrome (AIS). Also called: DHTR DEFICIENCY; DIHYDROTESTOSTERONE RECEPTOR DEFICIENCY; ANDROGEN RECEPTOR DEFICIENCY; TESTICULAR FEMINIZATION SYNDROME; Androgen insensitivity syndrome; Androgen insensitivity. Identifiers: Orphanet 754, Orphanet 99429, MedGen C0039585, MONDO:0019154, OMIM 300068. Disease mechanism: loss of function.
AR-related disorder. Also called: AR-related condition.

Submissions (2):

Labcorp Genetics (formerly Invitae), Labcorp
Classification: Benign for Kennedy disease; Androgen resistance syndrome. Last evaluated: 2024-09-17. Review status: criteria provided, single submitter. Criteria: Invitae Variant Classification Sherloc (09022015). Collection method: clinical testing. Allele origin: germline.

PreventionGenetics, part of Exact Sciences
Classification: Likely benign for AR-related condition. Last evaluated: 2023-03-23. Review status: no assertion criteria provided. Collection method: clinical testing. Allele origin: germline. Not counted in ClinVar's aggregate classification.
Comment: This variant is classified as likely benign based on ACMG/AMP sequence variant interpretation guidelines (Richards et al. 2015 PMID: 25741868, with internal and published modifications).

NM_000044.6(AR):c.1365TGG[3] (p.Gly473_Glu474insGly)

Gene: AR (androgen receptor; plus strand). Cytogenetic location: Xq12.
Variant type: Microsatellite.
Coding change: c.1365TGG[3] on transcript NM_000044.6 (MANE Select); three copies in a row of the 3-base unit TGG starting at c.1365; the reference has two copies in a row; one copy, 3 bases duplicated.
Protein change: p.Gly473_Glu474insGly.
Molecular consequence: inframe insertion. On other transcripts: 5 prime UTR variant (1), inframe indel (1).
Genome position (GRCh38, 1-based): chrX:67,546,514-67,546,516, TGG duplicated; duplicating any 3 consecutive bases within chrX:67,546,509-67,546,516 gives the same sequence; the position shown is the placement nearest the transcript's 3' end. VCF-style (leftmost placement, unchanged base first): chrX-67546508-G-GGGT. GRCh37 (hg19) VCF-style: chrX-66766350-G-GGGT.
Other names: c.1368_1370dupTGG (NM_000044.3); c.-419TGG[3] (NM_001011645.3); c.1365TGG[3], p.Gly473_Glu474insGly (NM_001348061.1, NM_001348063.1, NM_001348064.1); c.1365_1367TGG[3], p.Gly474_Glu475insGly (NM_001424175.1).
Identifiers: ClinVar variation 2929576 (VCV002929576.5), dbSNP rs746958859, ClinGen allele CA10436419.